The following is an entry in ClinVar:

ClinVar aggregate classification (germline): Likely benign. Review status: criteria provided, multiple submitters, no conflicts (2 of 4 stars). 3 submissions from 3 submitters: Likely benign (3). Last evaluated 2025-12-29.

Conditions:
Wilson disease (WND). Also called: Wilson's disease. Identifiers: Orphanet 905, MedGen C0019202, MONDO:0010200, OMIM 277900. Disease mechanism: loss of function.

Allele frequency attached by ClinVar (database versions not stated): ExAC 0.00001; gnomAD 0.00001; TOPMed 0.00001; gnomAD exomes 0.00004; ESP Exome Variant Server 0.00008.
gnomAD v4.1: 52 of 1,614,058 alleles (0.0032%); highest among the groups gnomAD compares: Non-Finnish European, 0.004%; no homozygotes.

Submissions (3):

Labcorp Genetics (formerly Invitae), Labcorp
Classification: Likely benign for Wilson disease. Last evaluated: 2025-12-29. Review status: criteria provided, single submitter. Criteria: Invitae Variant Classification Sherloc (09022015). Collection method: clinical testing. Allele origin: germline.

All of Us Research Program, National Institutes of Health
Classification: Likely benign for Wilson disease. Last evaluated: 2024-09-23. Review status: criteria provided, single submitter. Criteria: ACMG Guidelines, 2015. Collection method: clinical testing. Allele origin: germline. Inheritance: Autosomal recessive inheritance. Observed: 4 variant alleles, 4 heterozygotes.
Comment: This study involves interpretation of variants in research participants for the purpose of population health screening. Participant phenotype was not available at the time of variant classification. Additional details can be found in publication PMID: 35346344, PMCID: PMC8962531

Color Diagnostics, LLC DBA Color Health
Classification: Likely benign for Wilson disease. Last evaluated: 2022-04-28. Review status: criteria provided, single submitter. Criteria: ACMG Guidelines, 2015. Collection method: clinical testing. Allele origin: germline.

NM_000053.4(ATP7B):c.3276G>A (p.Thr1092=)

Gene: ATP7B (ATPase copper transporting beta; minus strand). Cytogenetic location: 13q14.3.
Variant type: single nucleotide variant.
Coding change: c.3276G>A on transcript NM_000053.4 (MANE Select); coding-DNA position 3276, G replaced by A.
Protein change: p.Thr1092=; no amino-acid change (threonine 1092 retained).
Molecular consequence: synonymous variant.
Genome position (GRCh38, 1-based): chr13:51,942,522, C>T on the plus strand (G>A on the coding strand, the complement: ATP7B is on the minus strand). VCF-style: chr13-51942522-C-T. GRCh37 (hg19) VCF-style: chr13-52516658-C-T.
Other names: c.2655G>A, p.Thr885= (NM_001005918.3); c.2943G>A, p.Thr981= (NM_001243182.2); c.3042G>A, p.Thr1014= (NM_001330578.2, NM_001406527.1, NM_001406528.1 and 1 more transcripts); c.3024G>A, p.Thr1008= (NM_001330579.2, NM_001406531.1, NM_001406532.1); c.3276G>A, p.Thr1092= (NM_001406511.1, NM_001406512.1, NM_001406526.1); c.3270G>A, p.Thr1090= (NM_001406513.1); c.3243G>A, p.Thr1081= (NM_001406514.1); c.3222G>A, p.Thr1074= (NM_001406515.1, NM_001406516.1); and 19 more.
Identifiers: ClinVar variation 2141858 (VCV002141858.6), dbSNP rs377020436, ClinGen allele CA6988747.